The following is an entry in ClinVar:

ClinVar aggregate classification (germline): Uncertain significance (1 of 4 stars; one submission).

Submission:

Labcorp Genetics (formerly Invitae), Labcorp
Classification: Uncertain significance. Last evaluated: 2025-08-12. Review status: criteria provided, single submitter. Criteria: Invitae Variant Classification Sherloc (09022015). Collection method: clinical testing. Allele origin: germline.
Comment: This sequence change replaces threonine, which is neutral and polar, with serine, which is neutral and polar, at codon 375 of the FH protein (p.Thr375Ser). This variant is not present in population databases (gnomAD no frequency). This variant has not been reported in the literature in individuals affected with FH-related conditions. Invitae Evidence Modeling of protein sequence and biophysical properties (such as structural, functional, and spatial information, amino acid conservation, physicochemical variation, residue mobility, and thermodynamic stability) indicates that this missense variant is expected to disrupt FH protein function with a positive predictive value of 95%. In summary, the available evidence is currently insufficient to determine the role of this variant in disease. Therefore, it has been classified as a Variant of Uncertain Significance.

NM_000143.4(FH):c.1123A>T (p.Thr375Ser)

Gene: FH (fumarate hydratase; minus strand). Cytogenetic location: 1q43.
Variant type: single nucleotide variant.
Coding change: c.1123A>T on transcript NM_000143.4 (MANE Select); coding-DNA position 1123, A replaced by T.
Protein change: p.Thr375Ser; replaces threonine 375 with serine.
Molecular consequence: missense variant.
Genome position (GRCh38, 1-based): chr1:241,502,556, T>A on the plus strand (A>T on the coding strand, the complement: FH is on the minus strand). VCF-style: chr1-241502556-T-A. GRCh37 (hg19) VCF-style: chr1-241665856-T-A.
Other names: short protein forms T375S.
Identifiers: ClinVar variation 4798392 (VCV004798392.1).